The following is an entry in ClinVar:

ClinVar aggregate classification (germline): Pathogenic/Likely pathogenic. Review status: criteria provided, multiple submitters, no conflicts (2 of 4 stars). 2 submissions from 2 submitters: Pathogenic (1); Likely pathogenic (1). Last evaluated 2021-11-09.

Conditions:
Joubert syndrome. Also called: JOUBERT-BOLTSHAUSER SYNDROME; Familial aplasia of the vermis. Identifiers: Orphanet 475, MedGen C5979921, MONDO:0018772.
Meckel-Gruber syndrome. Also called: DYSENCEPHALIA SPLANCHNOCYSTICA; GRUBER SYNDROME; Dysencephalia splachnocystica. Identifiers: Orphanet 564, MedGen C0265215, MONDO:0018921.
RPGRIP1L-related disorder. Also called: RPGRIP1L-related condition; RPGRIP1L-related disorders. Identifiers: MedGen CN239416.

Submissions (2):

Blueprint Genetics
Classification: Likely pathogenic for RPGRIP1L-related disorders. Last evaluated: 2021-11-09. Review status: criteria provided, single submitter. Criteria: ACMG Guidelines, 2015. Collection method: clinical testing. Allele origin: germline. Affected: yes. Observed: 1 variant allele.

Labcorp Genetics (formerly Invitae), Labcorp
Classification: Pathogenic for Joubert syndrome; Meckel-Gruber syndrome. Last evaluated: 2020-07-21. Review status: criteria provided, single submitter. Criteria: Invitae Variant Classification Sherloc (09022015). Collection method: clinical testing. Allele origin: germline.
Comment: For these reasons, this variant has been classified as Pathogenic. Loss-of-function variants in RPGRIP1L are known to be pathogenic (PMID: 17558409). This variant has not been reported in the literature in individuals with RPGRIP1L-related conditions. This variant is not present in population databases (ExAC no frequency). This sequence change creates a premature translational stop signal (p.Glu641*) in the RPGRIP1L gene. It is expected to result in an absent or disrupted protein product.

Literature cited by the submitters: PubMed 17558409 (cited by Labcorp Genetics (formerly Invitae), Labcorp).

NM_015272.5(RPGRIP1L):c.1920dup (p.Glu641Ter)

Gene: RPGRIP1L (RPGRIP1 like; minus strand). Cytogenetic location: 16q12.2.
Variant type: Duplication.
Coding change: c.1920dup on transcript NM_015272.5 (MANE Select); coding-DNA position 1920, one base duplicated (T; older notation c.1920dupT).
Protein change: p.Glu641Ter; replaces glutamic acid 641 with a stop codon.
Molecular consequence: nonsense.
Genome position (GRCh38, 1-based): chr16:53,652,767, A duplicated on the plus strand (T on the coding strand, the reverse complement: RPGRIP1L is on the minus strand); the first of 4 consecutive A bases (chr16:53,652,767-53,652,770); duplicating any one gives the same sequence. VCF-style (leftmost placement, unchanged base first): chr16-53652766-C-CA. GRCh37 (hg19) VCF-style: chr16-53686678-C-CA.
Other names: c.1920dup, p.Glu641Ter (NM_001127897.4, NM_001308334.3, NM_001330538.2); short protein forms E641*.
Identifiers: ClinVar variation 1072338 (VCV001072338.8), dbSNP rs2151126581, ClinGen allele CA2499223554.